The following is an entry in ClinVar:

ClinVar aggregate classification (germline): Uncertain significance (0 of 4 stars; one submission).

Conditions:
ITPR3-related disorder. Also called: ITPR3-related condition.

gnomAD v4.1: 2 of 1,613,560 alleles (0.00012%); highest among the groups gnomAD compares: Admixed American, 0.0017%; no homozygotes.

Submission:

PreventionGenetics, part of Exact Sciences
Classification: Uncertain significance for ITPR3-related condition. Last evaluated: 2023-11-22. Review status: no assertion criteria provided. Collection method: clinical testing. Allele origin: germline.
Comment: The ITPR3 c.5434G>A variant is predicted to result in the amino acid substitution p.Gly1812Ser. To our knowledge, this variant has not been reported in the literature or in a large population database, indicating this variant is rare. At this time, the clinical significance of this variant is uncertain due to the absence of conclusive functional and genetic evidence.

NM_002224.4(ITPR3):c.5434G>A (p.Gly1812Ser)

Gene: ITPR3 (inositol 1,4,5-trisphosphate receptor type 3; plus strand). Cytogenetic location: 6p21.31.
Variant type: single nucleotide variant.
Coding change: c.5434G>A on transcript NM_002224.4 (MANE Select); coding-DNA position 5434, G replaced by A.
Protein change: p.Gly1812Ser; replaces glycine 1812 with serine.
Molecular consequence: missense variant.
Genome position (GRCh38, 1-based): chr6:33,685,485, G>A. VCF-style: chr6-33685485-G-A. GRCh37 (hg19) VCF-style: chr6-33653262-G-A.
Other names: short protein forms G1812S.
Identifiers: ClinVar variation 3054815 (VCV003054815.2), dbSNP rs780191202, ClinGen allele CA363708505.
Genomic context (GRCh38, chr6:33,685,485, plus strand): 5'-CGCATGAAGCGGGCCCAGCAGGAGACCAAGTCCACGGTGGCAGTCAACATGAATGACCTG[G>A]GCAGCCAGCCACATGAGGACCGCGAGCCAGTCGACCCCACCACCAAAGGTCAGGGGTCTG-3'
Protein context (NP_002215.2, residues 1802-1822): STVAVNMNDL[Gly1812Ser]SQPHEDREPV